The following is an entry in ClinVar:

ClinVar aggregate classification (germline): Uncertain significance. Review status: criteria provided, multiple submitters, no conflicts (2 of 4 stars). 3 submissions from 3 submitters: Uncertain significance (3). Last evaluated 2026-01-01.

Conditions:
Inborn genetic diseases. Identifiers: MedGen C0950123, MeSH D030342.

Allele frequency attached by ClinVar (database versions not stated): TOPMed below 0.00001; gnomAD exomes 0.00001; gnomAD 0.00002.
gnomAD v4.1: 12 of 1,603,510 alleles (0.00075%); highest among the groups gnomAD compares: Admixed American, 0.012%; no homozygotes.

Submissions (3):

CeGaT Center for Human Genetics Tuebingen
Classification: Uncertain significance. Last evaluated: 2026-01-01. Review status: criteria provided, single submitter. Criteria: CeGaT Center For Human Genetics Tuebingen Variant Classification Criteria Version 2. Collection method: clinical testing. Allele origin: germline. Affected: yes. Observed: 1 variant allele.
Comment: DCHS1: PM2

Labcorp Genetics (formerly Invitae), Labcorp
Classification: Uncertain significance. Last evaluated: 2025-01-07. Review status: criteria provided, single submitter. Criteria: Invitae Variant Classification Sherloc (09022015). Collection method: clinical testing. Allele origin: germline.
Comment: This sequence change replaces proline, which is neutral and non-polar, with leucine, which is neutral and non-polar, at codon 3141 of the DCHS1 protein (p.Pro3141Leu). This variant is present in population databases (rs766624649, gnomAD 0.02%). This variant has not been reported in the literature in individuals affected with DCHS1-related conditions. ClinVar contains an entry for this variant (Variation ID: 1920962). Invitae Evidence Modeling of protein sequence and biophysical properties (such as structural, functional, and spatial information, amino acid conservation, physicochemical variation, residue mobility, and thermodynamic stability) indicates that this missense variant is not expected to disrupt DCHS1 protein function with a negative predictive value of 80%. In summary, the available evidence is currently insufficient to determine the role of this variant in disease. Therefore, it has been classified as a Variant of Uncertain Significance.

Ambry Genetics
Classification: Uncertain significance for Inborn genetic diseases. Last evaluated: 2022-09-06. Review status: criteria provided, single submitter. Criteria: Ambry Variant Classification Scheme 2023. Collection method: clinical testing. Allele origin: germline.

NM_003737.4(DCHS1):c.9422C>T (p.Pro3141Leu)

Gene: DCHS1 (dachsous cadherin-related 1; minus strand). Cytogenetic location: 11p15.4.
Variant type: single nucleotide variant.
Coding change: c.9422C>T on transcript NM_003737.4 (MANE Select); coding-DNA position 9422, C replaced by T.
Protein change: p.Pro3141Leu; replaces proline 3141 with leucine.
Molecular consequence: missense variant.
Genome position (GRCh38, 1-based): chr11:6,622,254, G>A on the plus strand (C>T on the coding strand, the complement: DCHS1 is on the minus strand). VCF-style: chr11-6622254-G-A. GRCh37 (hg19) VCF-style: chr11-6643485-G-A.
Other names: short protein forms P3141L.
Identifiers: ClinVar variation 1920962 (VCV001920962.10), dbSNP rs766624649, ClinGen allele CA217329081.